The following is an entry in ClinVar:

ClinVar aggregate classification (germline): Uncertain significance (1 of 4 stars; one submission).

Allele frequency attached by ClinVar (database versions not stated): TOPMed below 0.00001; gnomAD 0.00001.

Submission:

Labcorp Genetics (formerly Invitae), Labcorp
Classification: Uncertain significance. Last evaluated: 2023-12-26. Review status: criteria provided, single submitter. Criteria: Invitae Variant Classification Sherloc (09022015). Collection method: clinical testing. Allele origin: germline.
Comment: This sequence change replaces alanine, which is neutral and non-polar, with serine, which is neutral and polar, at codon 232 of the ARHGEF1 protein (p.Ala232Ser). This variant is not present in population databases (gnomAD no frequency). This variant has not been reported in the literature in individuals affected with ARHGEF1-related conditions. An algorithm developed to predict the effect of missense changes on protein structure and function (PolyPhen-2) suggests that this variant is likely to be tolerated. In summary, the available evidence is currently insufficient to determine the role of this variant in disease. Therefore, it has been classified as a Variant of Uncertain Significance.

NM_004706.4(ARHGEF1):c.649G>T (p.Ala217Ser)

Gene: ARHGEF1 (Rho guanine nucleotide exchange factor 1; plus strand). Cytogenetic location: 19q13.2.
Variant type: single nucleotide variant.
Coding change: c.649G>T on transcript NM_004706.4 (MANE Select); coding-DNA position 649, G replaced by T.
Protein change: p.Ala217Ser; replaces alanine 217 with serine.
Molecular consequence: missense variant. On other transcripts: non-coding transcript variant (2).
Genome position (GRCh38, 1-based): chr19:41,894,211, G>T. VCF-style: chr19-41894211-G-T. GRCh37 (hg19) VCF-style: chr19-42398284-G-T.
Other names: c.649G>T, p.Ala217Ser (NM_001396000.1, NM_001396003.1, NM_001396006.1); c.550G>T, p.Ala184Ser (NM_001396002.1, NM_001396004.1, NM_198977.2); c.694G>T, p.Ala232Ser (NM_199002.2); short protein forms A217S, A184S, A232S.
Identifiers: ClinVar variation 2848801 (VCV002848801.3), dbSNP rs1422858618, ClinGen allele CA406051291.